The following is an entry in ClinVar:

NM_015272.5(RPGRIP1L):c.3061G>A (p.Val1021Ile)

Gene: RPGRIP1L (RPGRIP1 like; minus strand). Cytogenetic location: 16q12.2.
Variant type: single nucleotide variant.
Coding change: c.3061G>A on transcript NM_015272.5 (MANE Select); coding-DNA position 3061, G replaced by A.
Protein change: p.Val1021Ile; replaces valine 1021 with isoleucine.
Molecular consequence: missense variant.
Genome position (GRCh38, 1-based): chr16:53,637,854, C>T on the plus strand (G>A on the coding strand, the complement: RPGRIP1L is on the minus strand). VCF-style: chr16-53637854-C-T. GRCh37 (hg19) VCF-style: chr16-53671766-C-T.
Other names: c.2959G>A, p.Val987Ile (NM_001127897.4, NM_001330538.2); c.3061G>A, p.Val1021Ile (NM_001308334.3); c.3061G>A (NM_015272.4); short protein forms V1021I, V987I.
Identifiers: ClinVar variation 860509 (VCV000860509.9), dbSNP rs552123467, ClinGen allele CA281369298.

ClinVar aggregate classification (germline): Uncertain significance. Review status: criteria provided, multiple submitters, no conflicts (2 of 4 stars). 2 submissions from 2 submitters: Uncertain significance (2). Last evaluated 2026-04-28.

Conditions:
Meckel-Gruber syndrome. Also called: GRUBER SYNDROME; DYSENCEPHALIA SPLANCHNOCYSTICA; Dysencephalia splachnocystica. Identifiers: Orphanet 564, MedGen C0265215, MONDO:0018921.
Joubert syndrome. Also called: Familial aplasia of the vermis; JOUBERT-BOLTSHAUSER SYNDROME. Identifiers: Orphanet 475, MedGen C5979921, MONDO:0018772.
RPGRIP1L-related disorder. Also called: RPGRIP1L-related disorders; RPGRIP1L-related condition. Identifiers: MedGen CN239416.

Allele frequency attached by ClinVar (database versions not stated): TOPMed below 0.00001; gnomAD 0.00001; 1000 Genomes Project 30x 0.00016; 1000 Genomes Project 0.00020.
gnomAD v4.1: 2 of 1,612,430 alleles (0.00012%); highest among the groups gnomAD compares: Admixed American, 0.0017%; no homozygotes.

Submissions (2):

PreventionGenetics, part of Exact Sciences
Classification: Uncertain significance for RPGRIP1L-related condition. Last evaluated: 2026-04-28. Review status: criteria provided, single submitter. Criteria: ACMG Guidelines, 2015. Collection method: clinical testing. Allele origin: germline.
Comment: The RPGRIP1L c.3061G>A variant is predicted to result in the amino acid substitution p.Val1021Ile. To our knowledge, this variant has not been reported in the literature or in a large population database, indicating this variant is rare. At this time, the clinical significance of this variant is uncertain due to the absence of conclusive functional and genetic evidence.

Labcorp Genetics (formerly Invitae), Labcorp
Classification: Uncertain significance for Joubert syndrome; Meckel-Gruber syndrome. Last evaluated: 2022-01-20. Review status: criteria provided, single submitter. Criteria: Invitae Variant Classification Sherloc (09022015). Collection method: clinical testing. Allele origin: germline.
Comment: This sequence change replaces valine, which is neutral and non-polar, with isoleucine, which is neutral and non-polar, at codon 1021 of the RPGRIP1L protein (p.Val1021Ile). This variant is not present in population databases (gnomAD no frequency). This variant has not been reported in the literature in individuals affected with RPGRIP1L-related conditions. ClinVar contains an entry for this variant (Variation ID: 860509). Algorithms developed to predict the effect of missense changes on protein structure and function output the following: SIFT: "Tolerated"; PolyPhen-2: "Benign"; Align-GVGD: "Class C0". The isoleucine amino acid residue is found in multiple mammalian species, which suggests that this missense change does not adversely affect protein function. In summary, the available evidence is currently insufficient to determine the role of this variant in disease. Therefore, it has been classified as a Variant of Uncertain Significance.